The following is an entry in ClinVar:

NM_000074.3(CD40LG):c.34dup (p.Ser12fs)

Gene: CD40LG (CD40 ligand; plus strand). Cytogenetic location: Xq26.3.
Variant type: Duplication.
Coding change: c.34dup on transcript NM_000074.3 (MANE Select); coding-DNA position 34, one base duplicated (T; older notation c.34dupT).
Protein change: p.Ser12fs; shifts the reading frame from serine 12.
Molecular consequence: frameshift variant.
Genome position (GRCh38, 1-based): chrX:136,648,282, T duplicated. VCF-style (leftmost placement, unchanged base first): chrX-136648281-A-AT. GRCh37 (hg19) VCF-style: chrX-135730440-A-AT.
Other names: short protein forms S12fs.
Identifiers: ClinVar variation 4733951 (VCV004733951.1).

ClinVar aggregate classification (germline): Pathogenic (1 of 4 stars; one submission).

Conditions:
Hyper-IgM syndrome type 1. Also called: Immunodeficiency, X-linked, with hyper-IgM; Hyper-IgM Immunodeficiency Syndrome, Type 1; CD40 Ligand Deficiency; X-linked hyper-IgM syndrome. Identifiers: Orphanet 101088, MedGen C0398689, MONDO:0010626, OMIM 308230.

Submission:

Labcorp Genetics (formerly Invitae), Labcorp
Classification: Pathogenic for Hyper-IgM syndrome type 1. Last evaluated: 2025-12-23. Review status: criteria provided, single submitter. Criteria: Invitae Variant Classification Sherloc (09022015). Collection method: clinical testing. Allele origin: germline.
Comment: This sequence change creates a premature translational stop signal (p.Ser12Phefs*37) in the CD40LG gene. It is expected to result in an absent or disrupted protein product. Loss-of-function variants in CD40LG are known to be pathogenic (PMID: 15319456). This variant is not present in population databases (gnomAD no frequency). This variant has not been reported in the literature in individuals affected with CD40LG-related conditions. For these reasons, this variant has been classified as Pathogenic.

Literature cited by the submitters: PubMed 15319456.